The following is an entry in ClinVar:

ClinVar aggregate classification (germline): Uncertain significance. Review status: criteria provided, multiple submitters, no conflicts (2 of 4 stars). 2 submissions from 2 submitters: Uncertain significance (2). Last evaluated 2023-02-03.

Allele frequency attached by ClinVar (database versions not stated): TOPMed 0.00001.

Submissions (2):

Blueprint Genetics
Classification: Uncertain significance. Last evaluated: 2023-02-03. Review status: criteria provided, single submitter. Criteria: ACMG Guidelines, 2015. Collection method: clinical testing. Allele origin: germline.

GeneDx
Classification: Uncertain significance. Last evaluated: 2021-04-19. Review status: criteria provided, single submitter. Criteria: GeneDx Variant Classification Process June 2021. Collection method: clinical testing. Allele origin: germline. Affected: yes.
Comment: Not observed in large population cohorts (Lek et al., 2016); In silico analysis supports that this missense variant does not alter protein structure/function; Has not been previously published as pathogenic or benign to our knowledge

NM_001162501.2(TNRC6B):c.3175A>G (p.Met1059Val)

Gene: TNRC6B (trinucleotide repeat containing adaptor 6B; plus strand). Cytogenetic location: 22q13.1.
Variant type: single nucleotide variant.
Coding change: c.3175A>G on transcript NM_001162501.2 (MANE Select); coding-DNA position 3175, A replaced by G.
Protein change: p.Met1059Val; replaces methionine 1059 with valine.
Molecular consequence: missense variant.
Genome position (GRCh38, 1-based): chr22:40,277,110, A>G. VCF-style: chr22-40277110-A-G. GRCh37 (hg19) VCF-style: chr22-40673114-A-G.
Other names: c.934A>G, p.Met312Val (NM_001024843.2); c.3016A>G, p.Met1006Val (NM_015088.3); short protein forms M1006V, M1059V, M312V.
Identifiers: ClinVar variation 1318793 (VCV001318793.3), dbSNP rs2070654986, ClinGen allele CA411648306.